The following is an entry in ClinVar:

ClinVar aggregate classification (germline): Conflicting classifications of pathogenicity. Review status: criteria provided, conflicting classifications (1 of 4 stars). 2 submissions from 2 submitters: Pathogenic (1); Likely benign (1). Last evaluated 2023-12-15.

Conditions:
Glycogen storage disease type III (GSD3). Also called: FORBES DISEASE; Cori disease. Identifiers: Orphanet 366, MedGen C0017922, MONDO:0009291, OMIM 232400.

Submissions (2):

Women's Health and Genetics/Laboratory Corporation of America, LabCorp
Classification: Pathogenic for Glycogen storage disease type III. Last evaluated: 2023-12-15. Review status: criteria provided, single submitter. Criteria: LabCorp Variant Classification Summary - May 2015. Collection method: clinical testing. Allele origin: germline.
Comment: Variant summary: AGL c.965_966insTGACAGTTTTAATCTCTTTGTAGATATTTGCATTTAAGGTATCATCTTTTCTTTCTTTTAGAAAATAG (p.Arg322SerfsX13) results in a premature termination codon, predicted to cause a truncation of the encoded protein or absence of the protein due to nonsense mediated decay, which are commonly known mechanisms for disease. The frequency data for this variant in gnomAD is considered unreliable, as metrics indicate poor data quality at this position. To our knowledge, no occurrence of c.965_966ins68 in individuals affected with Glycogen Storage Disease Type III and no experimental evidence demonstrating its impact on protein function have been reported. Two submitters have cited clinical-significance assessments for this variant to ClinVar after 2014. One submitter classified the variant as pathogenic/likely pathogenic, and one submitter classified the variant as benign/likely benign. Based on the evidence outlined above, the variant was classified as pathogenic.

PreventionGenetics, part of Exact Sciences
Classification: Likely benign. Last evaluated: 2016-04-18. Review status: criteria provided, single submitter. Criteria: ACMG Guidelines, 2015. Collection method: clinical testing. Allele origin: germline.

NM_000642.3(AGL):c.965_966insTGACAGTTTTAATCTCTTTGTAGATATTTGCATTTAAGGTATCATCTTTTCTTTCTTTTAGAAAATAG

Gene: AGL (amylo-alpha-1,6-glucosidase and 4-alpha-glucanotransferase; plus strand). Cytogenetic location: 1p21.2.
Variant type: Microsatellite.
Coding change: c.965_966insTGACAGTTTTAATCTCTTTGTAGATATTTGCATTTAAGGTATCATCTTTTCTTTCTTTTAGAAAATAG on transcript NM_000642.3 (MANE Select); coding-DNA positions 965 to 966, TGACAGTTTTAATCTCTTTGTAGATATTTGCATTTAAGGTATCATCTTTTCTTTCTTTTAGAAAATAG inserted.
Molecular consequence: splice acceptor variant.
Genome position: GRCh38: chr1:99,874,670-99,874,693. GRCh37 (hg19): chr1:100,340,226-100,340,249.
Identifiers: ClinVar variation 256752 (VCV000256752.10).